The following is an entry in ClinVar:

NM_004999.4(MYO6):c.2522_2523del (p.Val841fs)

Gene: MYO6 (myosin VI; plus strand). Cytogenetic location: 6q14.1.
Variant type: Deletion.
Coding change: c.2522_2523del on transcript NM_004999.4 (MANE Select); coding-DNA positions 2522 to 2523, 2 bases deleted (TT; older notation c.2522_2523delTT).
Protein change: p.Val841fs; shifts the reading frame from valine 841.
Molecular consequence: frameshift variant. On other transcripts: non-coding transcript variant (1).
Genome position (GRCh38, 1-based): chr6:75,886,858-75,886,859, TT deleted. VCF-style (leftmost placement, unchanged base first): chr6-75886857-GTT-G. GRCh37 (hg19) VCF-style: chr6-76596574-GTT-G.
Other names: c.2522_2523del, p.Val841fs (NM_001300899.2, NM_001368136.1, NM_001368137.1 and 2 more transcripts); c.2507_2508del, p.Val836fs (NM_001368138.1); short protein forms V836fs, V841fs.
Identifiers: ClinVar variation 3601441 (VCV003601441.1).

ClinVar aggregate classification (germline): Likely pathogenic (1 of 4 stars; one submission).

Conditions:
Autosomal recessive nonsyndromic hearing loss 37. Identifiers: Orphanet 90636, MedGen C1843028, MONDO:0011912, OMIM 607821.

Submission:

Institute of Rare Diseases, West China Hospital, Sichuan University
Classification: Likely pathogenic for Autosomal recessive nonsyndromic hearing loss 37. Last evaluated: 2025-01-09. Review status: criteria provided, single submitter. Criteria: ClinGen HL ACMG Specifications v1. Collection method: research. Allele origin: germline. Affected: yes.
Comment: PVS1;PM2_Supporting